The following is an entry in ClinVar:

ClinVar aggregate classification (germline): Likely benign (1 of 4 stars; one submission).

Conditions:
CSMD1-related disorder. Also called: CSMD1-related condition.

gnomAD v4.1: 67 of 1,613,574 alleles (0.0042%); highest among the groups gnomAD compares: South Asian, 0.025%; no homozygotes.

Submission:

PreventionGenetics, part of Exact Sciences
Classification: Likely benign for CSMD1-related condition. Last evaluated: 2026-02-16. Review status: criteria provided, single submitter. Criteria: ACMG Guidelines, 2015. Collection method: clinical testing. Allele origin: germline.
Comment: This variant is classified as likely benign based on ACMG/AMP sequence variant interpretation guidelines (Richards et al. 2015 PMID: 25741868, with internal and published modifications).

NM_033225.6(CSMD1):c.9000G>A (p.Ser3000=)

Genes: CSMD1 (CUB and Sushi multiple domains 1; minus strand), LOC105377785 (uncharacterized LOC105377785; plus strand). Cytogenetic location: 8p23.2.
Variant type: single nucleotide variant.
Coding change: c.9000G>A on transcript NM_033225.6 (MANE Select); coding-DNA position 9000, G replaced by A.
Protein change: p.Ser3000=; no amino-acid change (serine 3000 retained).
Molecular consequence: synonymous variant.
Genome position (GRCh38, 1-based): chr8:2,966,670, C>T on the plus strand (G>A on the coding strand, the complement: CSMD1 is on the minus strand). VCF-style: chr8-2966670-C-T. GRCh37 (hg19) VCF-style: chr8-2824192-C-T.
Identifiers: ClinVar variation 4980203 (VCV004980203.1).
Genomic context (GRCh38, chr8:2,966,670, plus strand): 5'-TGTGCAATGCCGTGTCATGAGCCCTGAGGTCTTGTAGCCTTCCCAGCAGGCATAGATGAC[C>T]GAGCTGGAGAACAGAATGCCATCACTACTGACAATCATTCCGTTGGTGGGTGTGCCAGGG-3'
Protein context (NP_150094.5, residues 2990-3010): VSSDGILFSS[Ser3000=]VIYACWEGYK